The following is an entry in ClinVar:

NM_001098671.2(RASGRP2):c.1592-3C>A

Gene: RASGRP2 (RAS guanyl releasing protein 2; minus strand). Cytogenetic location: 11q13.1.
Variant type: single nucleotide variant.
Coding change: c.1592-3C>A on transcript NM_001098671.2 (MANE Select); 3 bases into the intron before coding-DNA position 1592, C replaced by A.
Molecular consequence: intron variant.
Genome position (GRCh38, 1-based): chr11:64,729,045, G>T on the plus strand (C>A on the coding strand, the complement: RASGRP2 is on the minus strand). VCF-style: chr11-64729045-G-T. GRCh37 (hg19) VCF-style: chr11-64496517-G-T.
Other names: p.?; c.1592-3C>A (NM_153819.2, NM_001440690.1, NM_001440698.1 and 9 more transcripts); c.1589-3C>A (NM_001440702.1, NM_001440701.1, NM_001440700.1); c.1676-3C>A (NM_001440705.1); c.1679-3C>A (NM_001440703.1, NM_001440704.1); c.1157-3C>A (NM_001318398.2).
Identifiers: ClinVar variation 284960 (VCV000284960.20), dbSNP rs75902820, ClinGen allele CA6078840.

ClinVar aggregate classification (germline): Benign. Review status: criteria provided, multiple submitters, no conflicts (2 of 4 stars). 5 submissions from 5 submitters: Benign (5). Last evaluated 2026-02-01.

Allele frequency attached by ClinVar (database versions not stated): ExAC 0.00958; gnomAD 0.01824 and 0.01934; ESP Exome Variant Server 0.01832; TOPMed 0.02026; 1000 Genomes Project 0.02276; 1000 Genomes Project 30x 0.02327.
gnomAD v4.1: 6,508 of 1,591,750 alleles (0.41%); highest among the groups gnomAD compares: African/African-American, 6.1%; 161 homozygotes.

Submissions (14):

Labcorp Genetics (formerly Invitae), Labcorp
Classification: Benign. Last evaluated: 2026-02-01. Review status: criteria provided, single submitter. Criteria: Invitae Variant Classification Sherloc (09022015). Collection method: clinical testing. Allele origin: germline.

Mayo Clinic Laboratories, Mayo Clinic
Classification: Benign. Last evaluated: 2023-10-20. Review status: criteria provided, single submitter. Criteria: ACMG Guidelines, 2015. Collection method: clinical testing. Allele origin: germline. Observed: 9 variant alleles.
Comment: BA1, BS2, BS3_supporting, BP7

GeneDx
Classification: Benign. Last evaluated: 2018-07-14. Review status: criteria provided, single submitter. Criteria: GeneDx Variant Classification Process June 2021. Collection method: clinical testing. Allele origin: germline. Affected: yes.
Comment: This variant is associated with the following publications: (PMID: 27884173, 17576779, 25525159)

Laboratory for Molecular Medicine, Mass General Brigham Personalized Medicine
Classification: Benign. Last evaluated: 2016-03-29. Review status: criteria provided, single submitter. Criteria: LMM Criteria. Collection method: clinical testing. Allele origin: germline.
Comment: Variant identified in a genome or exome case(s) and assessed due to predicted null impact of the variant or pathogenic assertions in the literature or databases. Disclaimer: This variant has not undergone full assessment. The following are preliminary notes: Frequency

Eurofins Ntd Llc (ga)
Classification: Benign. Last evaluated: 2015-11-25. Review status: criteria provided, single submitter. Criteria: EGL Classification Definitions 2015. Collection method: clinical testing. Allele origin: germline. Observed: 1 variant allele, 1 heterozygote.

Dr. Peter K. Rogan Lab, Western University
No classification provided (evidence only). Condition: Clear cell carcinoma of kidney. Review status: no classification provided. Collection method: in vitro. Allele origin: not applicable. Functional consequence: retained intron. Not counted in ClinVar's aggregate classification.

Dr. Peter K. Rogan Lab, Western University
No classification provided (evidence only). Condition: Acute myeloid leukemia. Review status: no classification provided. Collection method: in vitro. Allele origin: not applicable. Functional consequence: retained intron. Not counted in ClinVar's aggregate classification.

Dr. Peter K. Rogan Lab, Western University
No classification provided (evidence only). Condition: Acute myeloid leukemia. Review status: no classification provided. Collection method: in vitro. Allele origin: not applicable. Functional consequence: retained intron. Not counted in ClinVar's aggregate classification.

Dr. Peter K. Rogan Lab, Western University
No classification provided (evidence only). Condition: Acute myeloid leukemia. Review status: no classification provided. Collection method: in vitro. Allele origin: not applicable. Functional consequence: retained intron. Not counted in ClinVar's aggregate classification.

Dr. Peter K. Rogan Lab, Western University
No classification provided (evidence only). Condition: Acute myeloid leukemia. Review status: no classification provided. Collection method: in vitro. Allele origin: not applicable. Functional consequence: retained intron. Not counted in ClinVar's aggregate classification.

Dr. Peter K. Rogan Lab, Western University
No classification provided (evidence only). Condition: Uterine corpus endometrial carcinoma. Review status: no classification provided. Collection method: in vitro. Allele origin: not applicable. Functional consequence: retained intron. Not counted in ClinVar's aggregate classification.

Dr. Peter K. Rogan Lab, Western University
No classification provided (evidence only). Condition: Sarcoma. Review status: no classification provided. Collection method: in vitro. Allele origin: not applicable. Functional consequence: retained intron. Not counted in ClinVar's aggregate classification.

Dr. Peter K. Rogan Lab, Western University
No classification provided (evidence only). Condition: Thymoma. Review status: no classification provided. Collection method: in vitro. Allele origin: not applicable. Functional consequence: retained intron. Not counted in ClinVar's aggregate classification.

Dr. Peter K. Rogan Lab, Western University
No classification provided (evidence only). Condition: Thymoma. Review status: no classification provided. Collection method: in vitro. Allele origin: not applicable. Functional consequence: retained intron. Not counted in ClinVar's aggregate classification.

Literature cited by the submitters: PubMed 19064721 (cited by Mayo Clinic Laboratories, Mayo Clinic).